The following is an entry in ClinVar:

ClinVar aggregate classification (germline): Uncertain significance. Review status: criteria provided, multiple submitters, no conflicts (2 of 4 stars). 2 submissions from 2 submitters: Uncertain significance (2). Last evaluated 2025-10-08.

Conditions:
Inborn genetic diseases. Identifiers: MedGen C0950123, MeSH D030342.

Submissions (2):

Labcorp Genetics (formerly Invitae), Labcorp
Classification: Uncertain significance. Last evaluated: 2025-10-08. Review status: criteria provided, single submitter. Criteria: Invitae Variant Classification Sherloc (09022015). Collection method: clinical testing. Allele origin: germline.
Comment: This sequence change replaces glutamic acid, which is acidic and polar, with aspartic acid, which is acidic and polar, at codon 306 of the MBD4 protein (p.Glu306Asp). This variant is not present in population databases (gnomAD no frequency). This variant has not been reported in the literature in individuals affected with MBD4-related conditions. ClinVar contains an entry for this variant (Variation ID: 3699430). An algorithm developed to predict the effect of missense changes on protein structure and function (PolyPhen-2) suggests that this variant is likely to be disruptive. In summary, the available evidence is currently insufficient to determine the role of this variant in disease. Therefore, it has been classified as a Variant of Uncertain Significance.

Ambry Genetics
Classification: Uncertain significance for Inborn genetic diseases. Last evaluated: 2024-12-12. Review status: criteria provided, single submitter. Criteria: Ambry Variant Classification Scheme 2023. Collection method: clinical testing. Allele origin: germline.
Comment: The p.E306D variant (also known as c.918A>C), located in coding exon 3 of the MBD4 gene, results from an A to C substitution at nucleotide position 918. The glutamic acid at codon 306 is replaced by aspartic acid, an amino acid with highly similar properties. This amino acid position is conserved. In addition, this alteration is predicted to be tolerated by in silico analysis. Based on the available evidence, the clinical significance of this variant remains unclear.

NM_001276270.2(MBD4):c.918A>C (p.Glu306Asp)

Gene: MBD4 (methyl-CpG binding domain 4, DNA glycosylase; minus strand). Cytogenetic location: 3q21.3.
Variant type: single nucleotide variant.
Coding change: c.918A>C on transcript NM_001276270.2 (MANE Select); coding-DNA position 918, A replaced by C.
Protein change: p.Glu306Asp; replaces glutamic acid 306 with aspartic acid.
Molecular consequence: missense variant. On other transcripts: intron variant (1).
Genome position (GRCh38, 1-based): chr3:129,436,726, T>G on the plus strand (A>C on the coding strand, the complement: MBD4 is on the minus strand). VCF-style: chr3-129436726-T-G. GRCh37 (hg19) VCF-style: chr3-129155569-T-G.
Other names: c.918A>C, p.Glu306Asp (NM_001276271.2, NM_001276272.2, NM_003925.3); c.247+1082A>C (NM_001276273.2); short protein forms E306D.
Identifiers: ClinVar variation 3699430 (VCV003699430.3).
Genomic context (GRCh38, chr3:129,436,726, plus strand): 5'-TTCAGAACAAAAATTTGATCCTGAACTCAATGATCTTTCTTTTTTTTTTACAAGGCTGTT[T>G]TCTTCACTGGTCACACTGAGGGTCTCACCACATGCTCCAGCATCAGAAATGCAGACAGTT-3'
Protein context (NP_001263199.1, residues 296-316): CGETLSVTSE[Glu306Asp]NSLVKKKERS